The following is an entry in ClinVar:

NM_006371.5(CRTAP):c.267C>G (p.Ser89Arg)

Gene: CRTAP (cartilage associated protein; plus strand). Cytogenetic location: 3p22.3.
Variant type: single nucleotide variant.
Coding change: c.267C>G on transcript NM_006371.5 (MANE Select); coding-DNA position 267, C replaced by G.
Protein change: p.Ser89Arg; replaces serine 89 with arginine.
Molecular consequence: missense variant.
Genome position (GRCh38, 1-based): chr3:33,114,344, C>G. VCF-style: chr3-33114344-C-G. GRCh37 (hg19) VCF-style: chr3-33155836-C-G.
Other names: c.267C>G (NM_006371.4); c.267C>G, p.Ser89Arg (NM_001393363.1, NM_001393364.1, NM_001393365.1); short protein forms S89R.
Identifiers: ClinVar variation 1449452 (VCV001449452.6), dbSNP rs2125595986, ClinGen allele CA352008505.

ClinVar aggregate classification (germline): Uncertain significance. Review status: criteria provided, multiple submitters, no conflicts (2 of 4 stars). 2 submissions from 2 submitters: Uncertain significance (2). Last evaluated 2025-08-23.

Conditions:
Inborn genetic diseases. Identifiers: MedGen C0950123, MeSH D030342.
Osteogenesis imperfecta type 7 (OI7). Also called: OI type 7; OI type VII; OSTEOGENESIS IMPERFECTA, TYPE IIB; Osteogenesis imperfecta type 2B; OI type 2B; Osteogenesis imperfecta, perinatal lethal autosomal recessive. Identifiers: MedGen C1853162, MONDO:0012536, OMIM 610682.

Allele frequency attached by ClinVar (database versions not stated): gnomAD exomes below 0.00001.
gnomAD v4.1: 1 of 1,527,718 alleles (0.000065%); highest among the groups gnomAD compares: Non-Finnish European, 0.000087%; no homozygotes.

Submissions (2):

Ambry Genetics
Classification: Uncertain significance for Inborn genetic diseases. Last evaluated: 2025-08-23. Review status: criteria provided, single submitter. Criteria: Ambry Variant Classification Scheme 2023. Collection method: clinical testing. Allele origin: germline.

Labcorp Genetics (formerly Invitae), Labcorp
Classification: Uncertain significance for Osteogenesis imperfecta type 7. Last evaluated: 2021-09-24. Review status: criteria provided, single submitter. Criteria: Invitae Variant Classification Sherloc (09022015). Collection method: clinical testing. Allele origin: germline.
Comment: This sequence change replaces serine with arginine at codon 89 of the CRTAP protein (p.Ser89Arg). The serine residue is moderately conserved and there is a moderate physicochemical difference between serine and arginine. The frequency data for this variant in the population databases is considered unreliable, as metrics indicate insufficient coverage at this position in the ExAC database. This variant has not been reported in the literature in individuals with CRTAP-related conditions. Algorithms developed to predict the effect of missense changes on protein structure and function are either unavailable or do not agree on the potential impact of this missense change (SIFT: "Deleterious"; PolyPhen-2: "Benign"; Align-GVGD: "Class C0"). In summary, the available evidence is currently insufficient to determine the role of this variant in disease. Therefore, it has been classified as a Variant of Uncertain Significance.